The following is an entry in ClinVar:

NM_000796.6(DRD3):c.383+1G>C

Gene: DRD3 (dopamine receptor D3; minus strand). Cytogenetic location: 3q13.31.
Variant type: single nucleotide variant.
Coding change: c.383+1G>C on transcript NM_000796.6 (MANE Select); the canonical splice donor site of the intron after coding-DNA position 383, G replaced by C.
Molecular consequence: splice donor variant.
Genome position (GRCh38, 1-based): chr3:114,159,754, C>G on the plus strand (G>C on the coding strand, the complement: DRD3 is on the minus strand). VCF-style: chr3-114159754-C-G. GRCh37 (hg19) VCF-style: chr3-113878601-C-G.
Other names: c.383+1G>C (NM_033663.6, NM_001282563.2, NM_001290809.1).
Identifiers: ClinVar variation 4280034 (VCV004280034.1).

ClinVar aggregate classification (germline): Uncertain significance (1 of 4 stars; one submission).

Conditions:
Schizophrenia (SCZD). Identifiers: MedGen C0036341, MeSH D012559, MONDO:0005090, OMIM 181500, HP:0100753.

Submission:

Johns Hopkins Genomics, Johns Hopkins University
Classification: Uncertain significance for Schizophrenia. Last evaluated: 2024-01-29. Review status: criteria provided, single submitter. Criteria: ACMG Guidelines, 2015. Collection method: clinical testing. Allele origin: germline.
Comment: This DRD3 variant is absent from a large population dataset and has not been reported in ClinVar nor the literature, to our knowledge. This variant disrupts the canonical splice donor site of exon 3 of 7 and is predicted to cause aberrant pre-mRNA splicing. Due to insufficient evidence that this variant confers an increased risk for schizophrenia, we consider the clinical significance of c.383+1G>C to be uncertain at this time.

Literature cited by the submitters: PubMed 12524541; PubMed 1362221; PubMed 9514583.